The following is an entry in ClinVar:

NM_001134407.3(GRIN2A):c.-34C>A

Gene: GRIN2A (glutamate ionotropic receptor NMDA type subunit 2A; minus strand). Cytogenetic location: 16p13.2.
Variant type: single nucleotide variant.
Coding change: c.-34C>A on transcript NM_001134407.3 (MANE Select); 34 bases upstream of the start codon, C replaced by A.
Molecular consequence: 5 prime UTR variant.
Genome position (GRCh38, 1-based): chr16:10,181,892, G>T on the plus strand (C>A on the coding strand, the complement: GRIN2A is on the minus strand). VCF-style: chr16-10181892-G-T. GRCh37 (hg19) VCF-style: chr16-10275749-G-T.
Other names: c.-34C>A (NM_000833.5, NM_001134408.2).
Identifiers: ClinVar variation 137504 (VCV000137504.33), dbSNP rs564039694, ClinGen allele CA291113.

ClinVar aggregate classification (germline): Benign/Likely benign. Review status: criteria provided, multiple submitters, no conflicts (2 of 4 stars). 3 submissions from 3 submitters: Benign (2); Likely benign (1). Last evaluated 2026-09-01.

Conditions:
Landau-Kleffner syndrome (FESD). Also called: APHASIA, ACQUIRED, WITH EPILEPSY; EPILEPSY, FOCAL, WITH SPEECH DISORDER AND WITH OR WITHOUT MENTAL RETARDATION. Identifiers: Orphanet 1945, Orphanet 725, Orphanet 98818, MedGen C0282512, MONDO:0009509, OMIM 245570.

Allele frequency attached by ClinVar (database versions not stated): 1000 Genomes Project 0.00080; 1000 Genomes Project 30x 0.00125; gnomAD 0.00134; TOPMed 0.00145; gnomAD exomes 0.00542.
gnomAD v4.1: 257 of 152,936 alleles (0.17%); highest among the groups gnomAD compares: Admixed American, 0.47%; no homozygotes.

Submissions (3):

CeGaT Center for Human Genetics Tuebingen
Classification: Likely benign. Last evaluated: 2026-09-01. Review status: criteria provided, single submitter. Criteria: CeGaT Center For Human Genetics Tuebingen Variant Classification Criteria Version 2. Collection method: clinical testing. Allele origin: germline. Affected: yes. Observed: 7 variant alleles.
Comment: GRIN2A: BS1

Illumina Laboratory Services, Illumina
Classification: Benign for Landau-Kleffner syndrome. Last evaluated: 2018-01-12. Review status: criteria provided, single submitter. Criteria: ICSL Variant Classification Criteria 13 December 2019. Collection method: clinical testing. Allele origin: germline.
Comment: This variant was observed in the ICSL laboratory as part of a predisposition screen in an ostensibly healthy population. It had not been previously curated by ICSL or reported in the Human Gene Mutation Database (HGMD: prior to June 1st, 2018), and was therefore a candidate for classification through an automated scoring system. Utilizing variant allele frequency, disease prevalence and penetrance estimates, and inheritance mode, an automated score was calculated to assess if this variant is too frequent to cause the disease. Based on the score and internal cut-off values, a variant classified as benign is not then subjected to further curation. The score for this variant resulted in a classification of benign for this disease.

GeneDx
Classification: Benign. Last evaluated: 2014-01-22. Review status: criteria provided, single submitter. Criteria: GeneDx Variant Classification (06012015). Collection method: clinical testing. Allele origin: germline. Affected: yes.
Comment: This variant is considered likely benign or benign based on one or more of the following criteria: it is a conservative change, it occurs at a poorly conserved position in the protein, it is predicted to be benign by multiple in silico algorithms, and/or has population frequency not consistent with disease.